The following is an entry in ClinVar:

NM_054012.4(ASS1):c.408C>T (p.Ala136=)

Gene: ASS1 (argininosuccinate synthase 1; plus strand). Cytogenetic location: 9q34.11.
Variant type: single nucleotide variant.
Coding change: c.408C>T on transcript NM_054012.4 (MANE Select); coding-DNA position 408, C replaced by T.
Protein change: p.Ala136=; no amino-acid change (alanine 136 retained).
Molecular consequence: synonymous variant.
Genome position (GRCh38, 1-based): chr9:130,464,155, C>T. VCF-style: chr9-130464155-C-T. GRCh37 (hg19) VCF-style: chr9-133339542-C-T.
Other names: c.408C>T, p.Ala136= (NM_000050.4).
Identifiers: ClinVar variation 515501 (VCV000515501.11), dbSNP rs765880041, ClinGen allele CA5283266.

ClinVar aggregate classification (germline): Likely benign. Review status: criteria provided, multiple submitters, no conflicts (2 of 4 stars). 3 submissions from 3 submitters: Likely benign (2). 1 of the submissions does not count toward it. Last evaluated 2025-09-10.

Conditions:
Citrullinemia. Identifiers: Orphanet 187, MedGen C0175683, MONDO:0015991.
Citrullinemia type I (CTNL1). Also called: ASS DEFICIENCY; argininosuccinate synthetase deficiency. Identifiers: Orphanet 247525, MedGen C4721769, MONDO:0008988, OMIM 215700.

Allele frequency attached by ClinVar (database versions not stated): TOPMed 0.00008.
gnomAD v4.1: 35 of 1,614,080 alleles (0.0022%); highest among the groups gnomAD compares: Admixed American, 0.058%; no homozygotes.

Submissions (3):

Labcorp Genetics (formerly Invitae), Labcorp
Classification: Likely benign for Citrullinemia. Last evaluated: 2025-09-10. Review status: criteria provided, single submitter. Criteria: Invitae Variant Classification Sherloc (09022015). Collection method: clinical testing. Allele origin: germline.

GeneDx
Classification: Likely benign. Last evaluated: 2018-02-23. Review status: criteria provided, single submitter. Criteria: GeneDx Variant Classification (06012015). Collection method: clinical testing. Allele origin: germline. Affected: yes.
Comment: This variant is considered likely benign or benign based on one or more of the following criteria: it is a conservative change, it occurs at a poorly conserved position in the protein, it is predicted to be benign by multiple in silico algorithms, and/or has population frequency not consistent with disease.

Natera, Inc.
Classification: Likely benign for Citrullinemia type I. Last evaluated: 2020-09-16. Review status: no assertion criteria provided. Collection method: clinical testing. Allele origin: germline. Not counted in ClinVar's aggregate classification.